The following is an entry in ClinVar:

NM_017780.4(CHD7):c.6731A>G (p.Lys2244Arg)

Gene: CHD7 (chromodomain helicase DNA binding protein 7; plus strand). Cytogenetic location: 8q12.2.
Variant type: single nucleotide variant.
Coding change: c.6731A>G on transcript NM_017780.4 (MANE Select); coding-DNA position 6731, A replaced by G.
Protein change: p.Lys2244Arg; replaces lysine 2244 with arginine.
Molecular consequence: missense variant. On other transcripts: intron variant (1).
Genome position (GRCh38, 1-based): chr8:60,853,456, A>G. VCF-style: chr8-60853456-A-G. GRCh37 (hg19) VCF-style: chr8-61766015-A-G.
Other names: c.1717-8773A>G (NM_001316690.1); short protein forms K2244R.
Identifiers: ClinVar variation 2151853 (VCV002151853.2), dbSNP rs2488048035, ClinGen allele CA371326207.

ClinVar aggregate classification (germline): Uncertain significance (1 of 4 stars; one submission).

Conditions:
CHARGE syndrome (CHARGE). Also called: Hittner Hirsch Kreh syndrome; CHARGE ASSOCIATION--COLOBOMA, HEART ANOMALY, CHOANAL ATRESIA, RETARDATION, GENITAL AND EAR ANOMALIES; Coloboma, heart anomaly, choanal atresia, retardation, genital and ear anomalies; CHARGE association; Hall-Hittner syndrome. Identifiers: Orphanet 138, MedGen C0265354, MONDO:0008965.

Submission:

Labcorp Genetics (formerly Invitae), Labcorp
Classification: Uncertain significance for CHARGE syndrome. Last evaluated: 2023-05-21. Review status: criteria provided, single submitter. Criteria: Invitae Variant Classification Sherloc (09022015). Collection method: clinical testing. Allele origin: germline.
Comment: In summary, the available evidence is currently insufficient to determine the role of this variant in disease. Therefore, it has been classified as a Variant of Uncertain Significance. Advanced modeling of protein sequence and biophysical properties (such as structural, functional, and spatial information, amino acid conservation, physicochemical variation, residue mobility, and thermodynamic stability) performed at Invitae indicates that this missense variant is not expected to disrupt CHD7 protein function. ClinVar contains an entry for this variant (Variation ID: 2151853). This variant has not been reported in the literature in individuals affected with CHD7-related conditions. This variant is not present in population databases (gnomAD no frequency). This sequence change replaces lysine, which is basic and polar, with arginine, which is basic and polar, at codon 2244 of the CHD7 protein (p.Lys2244Arg).